The following is an entry in ClinVar:

NM_007294.4(BRCA1):c.1898C>T (p.Pro633Leu)

Gene: BRCA1 (BRCA1 DNA repair associated; minus strand). Cytogenetic location: 17q21.31.
Variant type: single nucleotide variant.
Coding change: c.1898C>T on transcript NM_007294.4 (MANE Select); coding-DNA position 1898, C replaced by T.
Protein change: p.Pro633Leu; replaces proline 633 with leucine.
Molecular consequence: missense variant. On other transcripts: intron variant (137).
Genome position (GRCh38, 1-based): chr17:43,093,633, G>A on the plus strand (C>T on the coding strand, the complement: BRCA1 is on the minus strand). VCF-style: chr17-43093633-G-A. GRCh37 (hg19) VCF-style: chr17-41245650-G-A.
Other names: 2017C>T; c.1685C>T, p.Pro562Leu (NM_001407571.1, NM_001407853.1, NM_001407894.1 and 9 more transcripts); c.1898C>T, p.Pro633Leu (NM_001407581.1, NM_001407582.1, NM_001407583.1 and 30 more transcripts); c.1895C>T, p.Pro632Leu (NM_001407587.1, NM_001407590.1, NM_001407591.1 and 22 more transcripts); c.1889C>T, p.Pro630Leu (NM_001407646.1, NM_001407647.1); c.1817C>T, p.Pro606Leu (NM_001407660.1, NM_001407661.1, NM_001407662.1 and 1 more transcripts); c.1820C>T, p.Pro607Leu (NM_001407663.1, NM_001407653.1, NM_001407654.1 and 4 more transcripts); c.1775C>T, p.Pro592Leu (NM_001407664.1, NM_001407665.1, NM_001407666.1 and 19 more transcripts); and 41 more; short protein forms P633L, P586L, P337L, P505L, P521L, P544L, P562L, P606L.
Identifiers: ClinVar variation 91568 (VCV000091568.41), dbSNP rs398122647, ClinGen allele CA001238.

ClinVar aggregate classification (germline): Conflicting classifications of pathogenicity. Review status: criteria provided, conflicting classifications (1 of 4 stars). 10 submissions from 10 submitters: Uncertain significance (8); Likely benign (1). 1 of the submissions does not count toward it. Last evaluated 2026-01-26.

Conditions:
Hereditary cancer-predisposing syndrome. Also called: Hereditary Cancer Syndrome; Hereditary neoplastic syndrome; Neoplastic Syndromes, Hereditary; Tumor predisposition. Identifiers: Orphanet 140162, MedGen C0027672, MeSH D009386, MONDO:0015356.
Hereditary breast ovarian cancer syndrome. Also called: BRCA1- and BRCA2-Associated Hereditary Breast and Ovarian Cancer; Hereditary breast and ovarian cancer syndrome; Hereditary breast and ovarian cancer syndrome (HBOC); Breast and ovarian cancer; Hereditary breast and/or ovarian cancer syndrome; Hereditary breast and ovarian cancer. Identifiers: Orphanet 145, MedGen C0677776, MeSH D061325, MONDO:0003582. Disease mechanism: loss of function.
Breast-ovarian cancer, familial, susceptibility to, 1 (BROVCA1). Also called: BRCA1 Hereditary Breast and Ovarian Cancer; OVARIAN CANCER, SUSCEPTIBILITY TO. Identifiers: Orphanet 145, MedGen C2676676, MONDO:0011450, OMIM 604370. Disease mechanism: loss of function.
BRCA1-related cancer predisposition. Identifiers: MedGen CN377757, MONDO:0700268.
BRCA1-related disorder. Also called: BRCA1-related condition.

Allele frequency attached by ClinVar (database versions not stated): ExAC 0.00001; gnomAD exomes 0.00001 and 0.00002; TOPMed 0.00002; gnomAD 0.00001.
gnomAD v4.1: 5 of 1,613,828 alleles (0.00031%); highest among the groups gnomAD compares: Admixed American, 0.0083%; no homozygotes.

Submissions (10):

Labcorp Genetics (formerly Invitae), Labcorp
Classification: Uncertain significance for Hereditary breast ovarian cancer syndrome. Last evaluated: 2026-01-26. Review status: criteria provided, single submitter. Criteria: Invitae Variant Classification Sherloc (09022015). Collection method: clinical testing. Allele origin: germline.
Comment: This sequence change replaces proline, which is neutral and non-polar, with leucine, which is neutral and non-polar, at codon 633 of the BRCA1 protein (p.Pro633Leu). This variant is present in population databases (rs398122647, gnomAD 0.01%). This variant has not been reported in the literature in individuals affected with BRCA1-related conditions. ClinVar contains an entry for this variant (Variation ID: 91568). Invitae Evidence Modeling of protein sequence and biophysical properties (such as structural, functional, and spatial information, amino acid conservation, physicochemical variation, residue mobility, and thermodynamic stability) indicates that this missense variant is not expected to disrupt BRCA1 protein function with a negative predictive value of 80%. In summary, the available evidence is currently insufficient to determine the role of this variant in disease. Therefore, it has been classified as a Variant of Uncertain Significance.

PreventionGenetics, part of Exact Sciences
Classification: Uncertain significance for BRCA1-related condition. Last evaluated: 2026-01-02. Review status: criteria provided, single submitter. Criteria: ACMG Guidelines, 2015. Collection method: clinical testing. Allele origin: germline.
Comment: The BRCA1 c.1898C>T variant is predicted to result in the amino acid substitution p.Pro633Leu. To our knowledge, this variant has not been reported in the literature. This variant is reported in 0.014% of alleles in individuals of Latino descent in gnomAD and has interpretations of uncertain significance and likely benign in ClinVar (Variation ID: 91568). This variant occurs within a region of the BRCA1 gene that is predicted to be tolerant to missense variation (Table 2, Dines et al. 2020. PubMed ID: 31911673). Although we suspect that this variant may be benign, at this time, the clinical significance of this variant is uncertain due to the absence of conclusive functional and genetic evidence.

Ambry Genetics
Classification: Uncertain significance for Hereditary cancer-predisposing syndrome. Last evaluated: 2025-05-14. Review status: criteria provided, single submitter. Criteria: Ambry Variant Classification Scheme 2023. Collection method: clinical testing. Allele origin: germline.
Comment: The p.P633L variant (also known as c.1898C>T), located in coding exon 9 of the BRCA1 gene, results from a C to T substitution at nucleotide position 1898. The proline at codon 633 is replaced by leucine, an amino acid with similar properties. This amino acid position is not well conserved in available vertebrate species. In addition, the in silico prediction for this alteration is inconclusive. Based on the available evidence, the clinical significance of this variant remains unclear.

Quest Diagnostics Nichols Institute San Juan Capistrano
Classification: Uncertain significance. Last evaluated: 2025-03-11. Review status: criteria provided, single submitter. Criteria: Quest Diagnostics criteria. Collection method: clinical testing. Allele origin: unknown.
Comment: The BRCA1 c.1898C>T (p.Pro633Leu) variant has been reported in the published literature to be located in a region of the BRCA1 gene that is tolerant to missense sequence changes (PMID: 31911673 (2020)), and to the best of our knowledge, has not been reported in affected individuals. The frequency of this variant in the general population (Genome Aggregation Database) is uninformative in the assessment of its pathogenicity. Analysis of this variant using bioinformatics tools for the prediction of the effect of amino acid changes on protein structure and function yielded predictions that this variant is benign. Based on the available information, we are unable to determine the clinical significance of this variant.

Color Diagnostics, LLC DBA Color Health
Classification: Uncertain significance for Hereditary cancer-predisposing syndrome. Last evaluated: 2024-06-13. Review status: criteria provided, single submitter. Criteria: ACMG Guidelines, 2015. Collection method: clinical testing. Allele origin: germline.
Comment: This missense variant replaces proline with leucine at codon 633 of the BRCA1 protein. Computational prediction suggests that this variant may not impact protein structure and function. To our knowledge, functional studies have not been reported for this variant. This variant has not been reported in individuals affected with BRCA1-related disorders in the literature. This variant has been identified in 5/251100 chromosomes in the general population by the Genome Aggregation Database (gnomAD). The available evidence is insufficient to determine the role of this variant in disease conclusively. Therefore, this variant is classified as a Variant of Uncertain Significance.

All of Us Research Program, National Institutes of Health
Classification: Uncertain significance for BRCA1-related cancer predisposition. Last evaluated: 2024-02-22. Review status: criteria provided, single submitter. Criteria: ACMG Guidelines, 2015. Collection method: clinical testing. Allele origin: germline. Inheritance: Autosomal dominant inheritance. Observed: 1 variant allele, 1 heterozygote.
Comment: This missense variant replaces proline with leucine at codon 633 of the BRCA1 protein. Computational prediction suggests that this variant may not impact protein structure and function (internally defined REVEL score threshold <= 0.5, PMID: 27666373). Splice site prediction tools suggest that this variant may not impact RNA splicing. To our knowledge, functional studies have not been performed for this variant. This variant has not been reported in individuals affected with hereditary cancer in the literature. This variant has been identified in 5/251100 chromosomes in the general population by the Genome Aggregation Database (gnomAD). The available evidence is insufficient to determine the role of this variant in disease conclusively. Therefore, this variant is classified as a Variant of Uncertain Significance.

This study involves interpretation of variants in research participants for the purpose of population health screening. Participant phenotype was not available at the time of variant classification. Additional details can be found in publication PMID: 35346344, PMCID: PMC8962531

GeneDx
Classification: Uncertain significance. Last evaluated: 2023-12-05. Review status: criteria provided, single submitter. Criteria: GeneDx Variant Classification Process June 2021. Collection method: clinical testing. Allele origin: germline. Affected: yes.
Comment: Not observed at significant frequency in large population cohorts (gnomAD); In silico analysis supports that this missense variant has a deleterious effect on protein structure/function; Has not been previously published as pathogenic or benign to our knowledge; Also known as 2017C>T; This variant is associated with the following publications: (PMID: 31911673, 15343273)

University of Washington Department of Laboratory Medicine, University of Washington
Classification: Likely benign for Hereditary cancer-predisposing syndrome. Last evaluated: 2023-03-23. Review status: criteria provided, single submitter. Criteria: Dines et al. (Genet Med. 2020). Collection method: curation. Allele origin: germline.
Comment: Missense variant in a coldspot region where missense variants are very unlikely to be pathogenic (PMID:31911673).

BRCA1 coldspot (exon 11 using historical exon numbering). Reclassification based on statistical prior probability

Women's Health and Genetics/Laboratory Corporation of America, LabCorp
Classification: Uncertain significance. Last evaluated: 2020-11-25. Review status: criteria provided, single submitter. Criteria: LabCorp Variant Classification Summary - May 2015. Collection method: clinical testing. Allele origin: germline.
Comment: Variant summary: BRCA1 c.1898C>T (p.Pro633Leu) results in a non-conservative amino acid change in the encoded protein sequence. Four of five in-silico tools predict a benign effect of the variant on protein function. The variant allele was found at a frequency of 2e-05 in 251100 control chromosomes. The available data on variant occurrences in the general population are insufficient to allow any conclusion about variant significance. To our knowledge, no occurrence of c.1898C>T in individuals affected with Hereditary Breast And Ovarian Cancer Syndrome and no experimental evidence demonstrating its impact on protein function have been reported. Four clinical diagnostic laboratories have submitted clinical-significance assessments for this variant to ClinVar after 2014 without evidence for independent evaluation. All laboratories classified the variant as uncertain significance. Based on the evidence outlined above, the variant was classified as uncertain significance.

Sharing Clinical Reports Project (SCRP)
Classification: Uncertain significance for Breast-ovarian cancer, familial 1. Last evaluated: 2008-12-29. Review status: no assertion criteria provided. Collection method: clinical testing. Allele origin: germline. Not counted in ClinVar's aggregate classification.

Literature cited by the submitters: PubMed 26295337 (cited by Quest Diagnostics Nichols Institute San Juan Capistrano); PubMed 31911673 (cited by Quest Diagnostics Nichols Institute San Juan Capistrano); PubMed 31853058 (cited by Quest Diagnostics Nichols Institute San Juan Capistrano); PubMed 32377563 (cited by Quest Diagnostics Nichols Institute San Juan Capistrano); PubMed 33087888 (cited by Quest Diagnostics Nichols Institute San Juan Capistrano); PubMed 29884841 (cited by Quest Diagnostics Nichols Institute San Juan Capistrano); PubMed 35729312 (cited by Quest Diagnostics Nichols Institute San Juan Capistrano).